The following is an entry in ClinVar:

ClinVar aggregate classification (germline): Pathogenic (1 of 4 stars; one submission).

Conditions:
Peters plus syndrome. Also called: KRAUSE-KIVLIN SYNDROME. Identifiers: Orphanet 709, MedGen C0796012, MONDO:0009856, OMIM 261540.

Submission:

Labcorp Genetics (formerly Invitae), Labcorp
Classification: Pathogenic for Peters plus syndrome. Last evaluated: 2022-06-16. Review status: criteria provided, single submitter. Criteria: Invitae Variant Classification Sherloc (09022015). Collection method: clinical testing. Allele origin: germline.
Comment: For these reasons, this variant has been classified as Pathogenic. This variant has not been reported in the literature in individuals affected with B3GLCT-related conditions. This variant is a gross deletion of the genomic region encompassing exon(s) 7 of the B3GLCT gene. This deletion is out-of-frame, and is expected to create a premature termination codon and result in an absent or disrupted protein product. Loss-of-function variants in B3GLCT are known to be pathogenic (PMID: 18798333, 23889335).

Literature cited by the submitters: PubMed 18798333; PubMed 23889335.

NC_000013.10:g.(?_31835063)_(31835239_?)del

Gene: B3GLCT (beta 3-glucosyltransferase; plus strand). Cytogenetic location: 13q12.3.
Variant type: Deletion.
Identifiers: ClinVar variation 2427625 (VCV002427625.5).